The following is an entry in ClinVar:

NM_032444.4(SLX4):c.1395G>A (p.Pro465=)

Gene: SLX4 (SLX4 structure-specific endonuclease subunit; minus strand). Cytogenetic location: 16p13.3.
Variant type: single nucleotide variant.
Coding change: c.1395G>A on transcript NM_032444.4 (MANE Select); coding-DNA position 1395, G replaced by A.
Protein change: p.Pro465=; no amino-acid change (proline 465 retained).
Molecular consequence: synonymous variant.
Genome position (GRCh38, 1-based): chr16:3,597,667, C>T on the plus strand (G>A on the coding strand, the complement: SLX4 is on the minus strand). VCF-style: chr16-3597667-C-T. GRCh37 (hg19) VCF-style: chr16-3647668-C-T.
Identifiers: ClinVar variation 1616976 (VCV001616976.30), dbSNP rs569518866, ClinGen allele CA493392466.
Genomic context (GRCh38, chr16:3,597,667, plus strand): 5'-GTCCTCTATCTGTCGGCCTGTGGTTTCAGAGTCCTGGACTAACAACAATGGGGGGGATAC[C>T]GGGGGTTTCTTCTTGCGACTTTTATTCTCTAGAGAGAAACAAAAGCGACACCATCAACGG-3'
Protein context (NP_115820.2, residues 455-475): AENKSRKKKP[Pro465=]VSPPLLLVQD

ClinVar aggregate classification (germline): Likely benign. Review status: criteria provided, multiple submitters, no conflicts (2 of 4 stars). 2 submissions from 2 submitters: Likely benign (2). Last evaluated 2025-08-06.

Conditions:
Fanconi anemia (FA). Also called: Fanconi's anemia. Identifiers: Orphanet 84, MedGen C0015625, MeSH D005199, MONDO:0019391.

gnomAD v4.1: 25 of 1,601,242 alleles (0.0016%); highest among the groups gnomAD compares: African/African-American, 0.0027%; no homozygotes.

Submissions (2):

Labcorp Genetics (formerly Invitae), Labcorp
Classification: Likely benign for Fanconi anemia. Last evaluated: 2025-08-06. Review status: criteria provided, single submitter. Criteria: Invitae Variant Classification Sherloc (09022015). Collection method: clinical testing. Allele origin: germline.

CeGaT Center for Human Genetics Tuebingen
Classification: Likely benign. Last evaluated: 2023-12-01. Review status: criteria provided, single submitter. Criteria: CeGaT Center For Human Genetics Tuebingen Variant Classification Criteria Version 2. Collection method: clinical testing. Allele origin: germline. Affected: yes. Observed: 1 variant allele.
Comment: SLX4: BP4, BP7